The following is an entry in ClinVar:

ClinVar aggregate classification (germline): Conflicting classifications of pathogenicity. Review status: criteria provided, conflicting classifications (1 of 4 stars). 2 submissions from 2 submitters: Uncertain significance (1); Benign (1). Last evaluated 2025-06-13.

Conditions:
Chuvash polycythemia. Also called: POLYCYTHEMIA, VHL-DEPENDENT. Identifiers: Orphanet 238557, MedGen C1837915, MONDO:0009892, OMIM 263400.
Von Hippel-Lindau syndrome (VHLS). Also called: Von Hippel-Lindau; VHL syndrome; von Hippel–Lindau syndrome. Identifiers: Orphanet 892, MedGen C0019562, MONDO:0008667, OMIM 193300. Disease mechanism: loss of function.

Submissions (2):

Myriad Genetics, Inc.
Classification: Benign for Von Hippel-Lindau syndrome. Last evaluated: 2025-06-13. Review status: criteria provided, single submitter. Criteria: Myriad Autosomal Dominant, Autosomal Recessive and X-Linked Classification Criteria (2023). Collection method: clinical testing. Allele origin: unknown.
Comment: This variant is considered benign. This variant is a silent/synonymous amino acid change and it is not expected to impact splicing.

Labcorp Genetics (formerly Invitae), Labcorp
Classification: Uncertain significance for Von Hippel-Lindau syndrome; Chuvash polycythemia. Last evaluated: 2023-09-24. Review status: criteria provided, single submitter. Criteria: Invitae Variant Classification Sherloc (09022015). Collection method: clinical testing. Allele origin: germline.
Comment: This variant occurs in a non-coding region of the VHL gene. It does not change the encoded amino acid sequence of the VHL protein. This variant is not present in population databases (gnomAD no frequency). This variant has not been reported in the literature in individuals affected with VHL-related conditions. ClinVar contains an entry for this variant (Variation ID: 1038538). Experimental studies and prediction algorithms are not available or were not evaluated, and the functional significance of this variant is currently unknown. In summary, the available evidence is currently insufficient to determine the role of this variant in disease. Therefore, it has been classified as a Variant of Uncertain Significance.

NM_000551.4(VHL):c.639_642dup (p.Asp213_Ter214=)

Genes: VHL (von Hippel-Lindau tumor suppressor; plus strand), LOC107303340 (3p25 von Hippel-Lindau tumor suppressor, E3 ubiquitin protein ligase Alu-mediated recombination region; plus strand). Cytogenetic location: 3p25.3.
Variant type: Duplication.
Coding change: c.639_642dup on transcript NM_000551.4 (MANE Select); coding-DNA positions 639 to 642, 4 bases duplicated (TTGA; older notation c.639_642dupTTGA).
Protein change: p.Asp213_Ter214=.
Molecular consequence: synonymous variant. On other transcripts: 3 prime UTR variant (1), non-coding transcript variant (1).
Genome position (GRCh38, 1-based): chr3:10,149,962-10,149,965, TTGA duplicated; duplicating any 4 consecutive bases within chr3:10,149,960-10,149,965 gives the same sequence; the c. name uses the placement nearest the transcript's 3' end. VCF-style (leftmost placement, unchanged base first): chr3-10149959-A-AGATT. GRCh37 (hg19) VCF-style: chr3-10191643-A-AGATT.
Other names: c.*193_*196dup (NM_001354723.2); c.516_519dup, p.Asp172_Ter173= (NM_198156.3).
Identifiers: ClinVar variation 1038538 (VCV001038538.6), dbSNP rs1696368069, ClinGen allele CA1345063130.